The following is an entry in ClinVar:

NM_000540.3(RYR1):c.5546T>C (p.Leu1849Pro)

Gene: RYR1 (ryanodine receptor 1; plus strand). Cytogenetic location: 19q13.2.
Variant type: single nucleotide variant.
Coding change: c.5546T>C on transcript NM_000540.3 (MANE Select); coding-DNA position 5546, T replaced by C.
Protein change: p.Leu1849Pro; replaces leucine 1849 with proline.
Molecular consequence: missense variant.
Genome position (GRCh38, 1-based): chr19:38,486,201, T>C. VCF-style: chr19-38486201-T-C. GRCh37 (hg19) VCF-style: chr19-38976841-T-C.
Other names: c.5546T>C, p.Leu1849Pro (NM_001042723.2); short protein forms L1849P.
Identifiers: ClinVar variation 3071916 (VCV003071916.5), dbSNP rs1461208146, ClinGen allele CA405656128.

ClinVar aggregate classification (germline): Uncertain significance. Review status: criteria provided, multiple submitters, no conflicts (2 of 4 stars). 3 submissions from 3 submitters: Uncertain significance (3). Last evaluated 2024-11-27.

Conditions:
Malignant hyperthermia, susceptibility to, 1 (MHS1). Also called: Anesthesia related hyperthermia; Malignant hyperpyrexia; Fulminating hyperpyrexia; Pharmacogenic myopathy; RYR1-Related Malignant Hyperthermia Susceptibility; Malignant hyperthermia suceptibility 1. Identifiers: Orphanet 423, MedGen C2930980, MONDO:0007783, OMIM 145600.
RYR1-related disorder. Also called: RYR1-related condition; RYR1-related disorders. Identifiers: MedGen CN239331.

Allele frequency attached by ClinVar (database versions not stated): gnomAD exomes below 0.00001; TOPMed below 0.00001; gnomAD 0.00001.
gnomAD v4.1: 5 of 1,612,744 alleles (0.00031%); highest among the groups gnomAD compares: African/African-American, 0.0013%; no homozygotes.

Submissions (3):

Labcorp Genetics (formerly Invitae), Labcorp
Classification: Uncertain significance for RYR1-related disorder. Last evaluated: 2024-11-27. Review status: criteria provided, single submitter. Criteria: Invitae Variant Classification Sherloc (09022015). Collection method: clinical testing. Allele origin: germline.
Comment: This sequence change replaces leucine, which is neutral and non-polar, with proline, which is neutral and non-polar, at codon 1849 of the RYR1 protein (p.Leu1849Pro). This variant is not present in population databases (gnomAD no frequency). This variant has not been reported in the literature in individuals affected with RYR1-related conditions. ClinVar contains an entry for this variant (Variation ID: 3071916). An algorithm developed to predict the effect of missense changes on protein structure and function (PolyPhen-2) suggests that this variant is likely to be disruptive. In summary, the available evidence is currently insufficient to determine the role of this variant in disease. Therefore, it has been classified as a Variant of Uncertain Significance.

Color Diagnostics, LLC DBA Color Health
Classification: Uncertain significance for Malignant hyperthermia, susceptibility to, 1. Last evaluated: 2024-06-24. Review status: criteria provided, single submitter. Criteria: ACMG Guidelines, 2015. Collection method: clinical testing. Allele origin: germline.
Comment: This missense variant replaces leucine with proline at codon 1849 of the RYR1 protein. Computational prediction suggests that this variant may have deleterious impact on protein structure and function. To our knowledge, functional studies have not been reported for this variant. This variant has not been reported in individuals affected with RYR1-related disorders in the literature. This variant has not been identified in the general population by the Genome Aggregation Database (gnomAD). The available evidence is insufficient to determine the role of this variant in disease conclusively. Therefore, this variant is classified as a Variant of Uncertain Significance.

All of Us Research Program, National Institutes of Health
Classification: Uncertain significance for Malignant hyperthermia, susceptibility to, 1. Last evaluated: 2024-03-14. Review status: criteria provided, single submitter. Criteria: ACMG Guidelines, 2015. Collection method: clinical testing. Allele origin: germline. Inheritance: Autosomal dominant inheritance. Observed: 2 variant alleles, 2 heterozygotes.
Comment: This missense variant replaces leucine with proline at codon 1849 of the RYR1 protein. Computational prediction suggests that this variant may have deleterious impact on protein structure and function (internally defined REVEL score threshold >= 0.7, PMID: 27666373). To our knowledge, functional studies have not been reported for this variant. This variant has not been reported in individuals affected with RYR1-related disorders in the literature. This variant has not been identified in the general population by the Genome Aggregation Database (gnomAD). The available evidence is insufficient to determine the role of this variant in disease conclusively. Therefore, this variant is classified as a Variant of Uncertain Significance.

This study involves interpretation of variants in research participants for the purpose of population health screening. Participant phenotype was not available at the time of variant classification. Additional details can be found in publication PMID: 35346344, PMCID: PMC8962531